The following is an entry in ClinVar:

ClinVar aggregate classification (germline): Pathogenic (1 of 4 stars; one submission).

Conditions:
Spermatogenic failure 95. Identifiers: MedGen C5975347, MONDO:0975747, OMIM 620917.

gnomAD v4.1: 31 of 1,511,012 alleles (0.0021%); highest among the groups gnomAD compares: South Asian, 0.022%; no homozygotes.

Submission:

First Genomix Gene Laboratory, Genetic Diagnostics Department
Classification: Pathogenic for Spermatogenic failure 95. Last evaluated: 2025-06-20. Review status: criteria provided, single submitter. Criteria: ACMG Guidelines, 2015. Collection method: clinical testing. Allele origin: germline. Inheritance: Autosomal recessive inheritance. Affected: no. Observed: 1 variant allele.

NM_001378189.1(CFAP57):c.2872C>T (p.Arg958Ter)

Genes: CFAP57 (cilia and flagella associated protein 57; plus strand), EBNA1BP2 (EBNA1 binding protein 2; minus strand), LOC105378685 (uncharacterized LOC105378685; minus strand). Cytogenetic location: 1p34.2.
Variant type: single nucleotide variant.
Coding change: c.2872C>T on transcript NM_001378189.1 (MANE Select); coding-DNA position 2872, C replaced by T.
Protein change: p.Arg958Ter; replaces arginine 958 with a stop codon.
Molecular consequence: nonsense.
Genome position (GRCh38, 1-based): chr1:43,226,989, C>T. VCF-style: chr1-43226989-C-T. GRCh37 (hg19) VCF-style: chr1-43692660-C-T.
Other names: c.2872C>T, p.Arg958Ter (NM_001195831.3); short protein forms R958*.
Identifiers: ClinVar variation 4849300 (VCV004849300.1).
Genomic context (GRCh38, chr1:43,226,989, plus strand): 5'-GCAGTATACCAGGGCCTTACAATATCTCTCACTTCTCTCTCATCTCACCCCCAGGAGAAG[C>T]GAATTTATGATCTGAAAAAGAAAAATCAAGAACTAGGGAAATTCAAGTTTGTGCTTGACT-3'